The following is an entry in ClinVar:

NM_001099274.3(TINF2):c.1061+4_1061+7del

Gene: TINF2 (TERF1 interacting nuclear factor 2; minus strand). Cytogenetic location: 14q12.
Variant type: Microsatellite.
Coding change: c.1061+4_1061+7del on transcript NM_001099274.3 (MANE Select); bases 4 to 7 of the intron after coding-DNA position 1061, 4 bases deleted (AGTG; older notation c.1061+4_1061+7delAGTG).
Molecular consequence: splice donor variant. On other transcripts: frameshift variant (1), stop lost (1).
Genome position (GRCh38, 1-based): chr14:24,240,412-24,240,415, CACT deleted on the plus strand (AGTG on the coding strand, the reverse complement: TINF2 is on the minus strand); deleting any 4 consecutive bases within chr14:24,240,412-24,240,420 gives the same sequence; the c. name uses the placement nearest the transcript's 3' end. VCF-style (leftmost placement, unchanged base first): chr14-24240411-CCACT-C. GRCh37 (hg19) VCF-style: chr14-24709617-CCACT-C.
Other names: c.1065_*3del, p.Ter355TrpextTer? (NM_012461.3); c.956+4_956+7del (NM_001363668.2).
Identifiers: ClinVar variation 1395836 (VCV001395836.10), ClinGen allele CA7130520.

ClinVar aggregate classification (germline): Conflicting classifications of pathogenicity. Review status: criteria provided, conflicting classifications (1 of 4 stars). 5 submissions from 5 submitters: Uncertain significance (4); Likely benign (1). Last evaluated 2025-12-19.

Conditions:
Dyskeratosis congenita, autosomal dominant 3. Identifiers: MedGen C3151445, MONDO:0013522, OMIM 613990.
Revesz syndrome. Also called: EXUDATIVE RETINOPATHY WITH BONE MARROW FAILURE; DYSKERATOSIS CONGENITA, AUTOSOMAL DOMINANT 5. Identifiers: Orphanet 3088, MedGen C1327916, MONDO:0009990, OMIM 268130.
Dyskeratosis congenita. Identifiers: Orphanet 1775, MedGen C0265965, MONDO:0015780.

Submissions (5):

Dasa
Classification: Uncertain significance. Last evaluated: 2025-12-19. Review status: criteria provided, single submitter. Criteria: DASA Assertion Criteria. Collection method: clinical testing. Allele origin: germline.
Comment: NM_012461.3(TINF2):c.1065_*3del (p.*355Trpext*7) is a nonsense variant in TINF2 predicted to introduce a premature termination codon. This variant is rare in population databases. Computational prediction algorithms are consistent with a deleterious effect. The currently available literature and clinical evidence are not sufficient to establish a definitive association between this variant and the reported condition. Therefore, this variant is classified as a variant of uncertain significance.

Labcorp Genetics (formerly Invitae), Labcorp
Classification: Uncertain significance for Dyskeratosis congenita. Last evaluated: 2025-07-21. Review status: criteria provided, single submitter. Criteria: Invitae Variant Classification Sherloc (09022015). Collection method: clinical testing. Allele origin: germline.
Comment: This sequence change falls in intron 6 of the TINF2 gene. It does not directly change the encoded amino acid sequence of the TINF2 protein. It affects a nucleotide within the consensus splice site. This variant is present in population databases (rs767558801, gnomAD 0.04%). This variant has not been reported in the literature in individuals affected with TINF2-related conditions. Variants that disrupt the consensus splice site are a relatively common cause of aberrant splicing (PMID: 17576681, 9536098). Algorithms developed to predict the effect of sequence changes on RNA splicing suggest that this variant may disrupt the consensus splice site. In summary, the available evidence is currently insufficient to determine the role of this variant in disease. Therefore, it has been classified as a Variant of Uncertain Significance.

Fulgent Genetics
Classification: Uncertain significance for Revesz syndrome; Dyskeratosis congenita, autosomal dominant 3. Last evaluated: 2024-06-12. Review status: criteria provided, single submitter. Criteria: ACMG Guidelines, 2015. Collection method: clinical testing. Allele origin: germline.

Blueprint Genetics
Classification: Likely benign. Last evaluated: 2022-06-29. Review status: criteria provided, single submitter. Criteria: ACMG Guidelines, 2015. Collection method: clinical testing. Allele origin: germline.

Sema4
Classification: Uncertain significance for Dyskeratosis congenita. Last evaluated: 2021-07-03. Review status: criteria provided, single submitter. Criteria: Sema4 Curation Guidelines. Collection method: curation. Allele origin: germline.
Comment: The TINF2 c.1061+4_1061+7delAGTG variant has not been reported in the literature to our knowledge. This variant was observed in 9/24196 chromosomes in the African/African American subpopulation, according to the Genome Aggregation Database ((PMID: 32461654). This variant has not been reported in ClinVar. In silico tools that predict the effect of sequence changes on splicing suggest that this variant may have an impact on splicing, though these predictions have not been confirmed by functional studies. The overall evidence is insufficient to meet ACMG/AMP criteria for classifying it as benign or pathogenic. In summary, the clinical significance of this variant is currently uncertain.

Literature cited by the submitters: PubMed 17576681 (cited by Labcorp Genetics (formerly Invitae), Labcorp); PubMed 9536098 (cited by Labcorp Genetics (formerly Invitae), Labcorp).